The following is an entry in ClinVar:

ClinVar aggregate classification (germline): Pathogenic. Review status: criteria provided, multiple submitters, no conflicts (2 of 4 stars). 8 submissions from 8 submitters: Pathogenic (6). 2 of the submissions do not count toward it. Last evaluated 2025-06-08.

Conditions:
Hereditary cancer-predisposing syndrome. Also called: Hereditary Cancer Syndrome; Tumor predisposition; Neoplastic Syndromes, Hereditary; Hereditary neoplastic syndrome. Identifiers: Orphanet 140162, MedGen C0027672, MeSH D009386, MONDO:0015356.
Familial adenomatous polyposis 1 (FAP1). Also called: FAMILIAL ADENOMATOUS POLYPOSIS 1, ATTENUATED; POLYPOSIS, ADENOMATOUS INTESTINAL. Identifiers: MedGen C2713442, MONDO:0021056, OMIM 175100. Disease mechanism: loss of function.

Submissions (8):

Dasa
Classification: Pathogenic. Last evaluated: 2025-06-08. Review status: criteria provided, single submitter. Criteria: DASA Assertion Criteria. Collection method: clinical testing. Allele origin: germline.
Comment: NM_000038.6(APC):c.3880C>T (p.Gln1294*) introduces a premature stop codon. Loss-of-function is an established mechanism of disease for this gene. The variant has been reported in individuals with familial adenomatous polyposis and related gastrointestinal cancers (PMIDs: 8111410, 20924072). Based on the available data, this variant is classified as pathogenic.

GeneDx
Classification: Pathogenic. Last evaluated: 2025-04-08. Review status: criteria provided, single submitter. Criteria: GeneDx Variant Classification Process June 2021. Collection method: clinical testing. Allele origin: germline. Affected: yes.
Comment: Nonsense variant predicted to result in protein truncation in a gene for which loss of function is a known mechanism of disease; Not observed at significant frequency in large population cohorts (gnomAD); This variant is associated with the following publications: (PMID: 8111410, 20685668, 20924072, 26446593)

Labcorp Genetics (formerly Invitae), Labcorp
Classification: Pathogenic for Familial adenomatous polyposis 1. Last evaluated: 2025-03-12. Review status: criteria provided, single submitter. Criteria: Invitae Variant Classification Sherloc (09022015). Collection method: clinical testing. Allele origin: germline.
Comment: This sequence change creates a premature translational stop signal (p.Gln1294*) in the APC gene. While this is not anticipated to result in nonsense mediated decay, it is expected to disrupt the last 1550 amino acid(s) of the APC protein. This variant is not present in population databases (gnomAD no frequency). This premature translational stop signal has been observed in individual(s) with personal and/or family history of familial adenomatous polyposis (PMID: 8111410, 20685668, 20924072, 26446593). ClinVar contains an entry for this variant (Variation ID: 469942). This variant is expected to disrupt the EB1 and HDLG binding sites, which mediate interactions with the cytoskeleton (PMID: 15311282, 17293347). While functional studies have not been performed to directly test the effect on APC protein function, this suggests that disruption of the C-terminal portion of the protein is functionally important. A different truncation (p.Tyr2645Lysfs*14) that lies downstream of this variant has been determined to be pathogenic (PMID: 9824584, 1316610, 27081525, 8381579, 22135120, internal data). This suggests that deletion of this region of the APC protein is causative of disease. For these reasons, this variant has been classified as Pathogenic.

Ambry Genetics
Classification: Pathogenic for Hereditary cancer-predisposing syndrome. Last evaluated: 2024-03-20. Review status: criteria provided, single submitter. Criteria: Ambry Variant Classification Scheme 2023. Collection method: clinical testing. Allele origin: germline.
Comment: The p.Q1294* pathogenic mutation (also known as c.3880C>T), located in coding exon 15 of the APC gene, results from a C to T substitution at nucleotide position 3880. This changes the amino acid from a glutamine to a stop codon within coding exon 15. This alteration occurs at the 3' terminus of theAPC gene, is not expected to trigger nonsense-mediated mRNA decay, and impacts the last 1550 amino acids of the protein. However, premature stop codons are typically deleterious in nature, the impacted region is critical for protein function, and a significant portion of the protein is affected (Ambry internal data). This variant is considered to be rare based on population cohorts in the Genome Aggregation Database (gnomAD). Based on the supporting evidence, this alteration is interpreted as a disease-causing mutation.

Myriad Genetics, Inc.
Classification: Pathogenic for Familial adenomatous polyposis 1. Last evaluated: 2023-05-09. Review status: criteria provided, single submitter. Criteria: Myriad Autosomal Dominant, Autosomal Recessive and X-Linked Classification Criteria (2023). Collection method: clinical testing. Allele origin: unknown.
Comment: This variant is considered pathogenic. This variant creates a termination codon and is predicted to result in premature protein truncation.

Color Diagnostics, LLC DBA Color Health
Classification: Pathogenic for Hereditary cancer-predisposing syndrome. Last evaluated: 2020-01-15. Review status: criteria provided, single submitter. Criteria: ACMG Guidelines, 2015. Collection method: clinical testing. Allele origin: germline.
Comment: This variant changes 1 nucleotide in exon 16 of the APC gene, creating a premature translation stop signal. This variant is expected to result in an absent or non-functional protein product. This variant has not been identified in the general population by the Genome Aggregation Database (gnomAD). Loss of APC function is a known mechanism of disease. Based on the available evidence, this variant is classified as Pathogenic.

Diagnostic Laboratory, Department of Genetics, University Medical Center Groningen
Classification: Pathogenic. Review status: no assertion criteria provided. Collection method: clinical testing. Allele origin: germline. Affected: yes. Study: VKGL Data-share Consensus. Not counted in ClinVar's aggregate classification.

Joint Genome Diagnostic Labs from Nijmegen and Maastricht, Radboudumc and MUMC+
Classification: Pathogenic. Review status: no assertion criteria provided. Collection method: clinical testing. Allele origin: germline. Affected: yes. Study: VKGL Data-share Consensus. Not counted in ClinVar's aggregate classification.

Literature cited by the submitters: PubMed 8111410 (cited by Dasa and Labcorp Genetics (formerly Invitae), Labcorp); PubMed 20685668 (cited by Labcorp Genetics (formerly Invitae), Labcorp); PubMed 20924072 (cited by Labcorp Genetics (formerly Invitae), Labcorp); PubMed 26446593 (cited by Labcorp Genetics (formerly Invitae), Labcorp); PubMed 15311282 (cited by Labcorp Genetics (formerly Invitae), Labcorp); PubMed 17293347 (cited by Labcorp Genetics (formerly Invitae), Labcorp); PubMed 9824584 (cited by Labcorp Genetics (formerly Invitae), Labcorp); PubMed 1316610 (cited by Labcorp Genetics (formerly Invitae), Labcorp); PubMed 27081525 (cited by Labcorp Genetics (formerly Invitae), Labcorp); PubMed 8381579 (cited by Labcorp Genetics (formerly Invitae), Labcorp); PubMed 22135120 (cited by Labcorp Genetics (formerly Invitae), Labcorp).

NM_000038.6(APC):c.3880C>T (p.Gln1294Ter)

Gene: APC (APC regulator of Wnt signaling pathway; plus strand). Cytogenetic location: 5q22.2.
Variant type: single nucleotide variant.
Coding change: c.3880C>T on transcript NM_000038.6 (MANE Select); coding-DNA position 3880, C replaced by T.
Protein change: p.Gln1294Ter; replaces glutamine 1294 with a stop codon.
Molecular consequence: nonsense.
Genome position (GRCh38, 1-based): chr5:112,839,474, C>T. VCF-style: chr5-112839474-C-T. GRCh37 (hg19) VCF-style: chr5-112175171-C-T.
Other names: c.3880C>T, p.Gln1294Ter (NM_001127510.3, NM_001354895.2); c.3826C>T, p.Gln1276Ter (NM_001127511.3); c.3934C>T, p.Gln1312Ter (NM_001354896.2); c.3910C>T, p.Gln1304Ter (NM_001354897.2); c.3805C>T, p.Gln1269Ter (NM_001354898.2); c.3796C>T, p.Gln1266Ter (NM_001354899.2); c.3757C>T, p.Gln1253Ter (NM_001354900.2); c.3703C>T, p.Gln1235Ter (NM_001354901.2); and 5 more; short protein forms Q1276*, Q1294*, Q1168*, Q1253*, Q1266*, Q1193*, Q1312*, Q1134*.
Identifiers: ClinVar variation 469942 (VCV000469942.23), dbSNP rs1554085373, ClinGen allele CA16029846.
Genomic context (GRCh38, chr5:112,839,474, plus strand): 5'-TGTAGTTCATTATCATCTTTGTCATCAGCTGAAGATGAAATAGGATGTAATCAGACGACA[C>T]AGGAAGCAGATTCTGCTAATACCCTGCAAATAGCAGAAATAAAAGAAAAGATTGGAACTA-3'